The following is an entry in ClinVar:

NM_007294.4(BRCA1):c.*381_*389delinsAAGCACAGAGTGGCTTGGCCTCAAGAG

Gene: BRCA1 (BRCA1 DNA repair associated; minus strand). Cytogenetic location: 17q21.31.
Variant type: Indel.
Coding change: c.*381_*389delinsAAGCACAGAGTGGCTTGGCCTCAAGAG on transcript NM_007294.4 (MANE Select); 381 bases downstream of the stop codon through 389 bases downstream of the stop codon, TTTCCCTAA replaced by AAGCACAGAGTGGCTTGGCCTCAAGAG.
Molecular consequence: 3 prime UTR variant. On other transcripts: non-coding transcript variant (1).
Genome position (GRCh38, 1-based): chr17:43,045,289-43,045,297, TTAGGGAAA replaced by CTCTTGAGGCCAAGCCACTCTGTGCTT on the plus strand (TTTCCCTAA replaced by AAGCACAGAGTGGCTTGGCCTCAAGAG on the coding strand, the reverse complement: BRCA1 is on the minus strand). GRCh37 (hg19): chr17:41,197,306-41,197,314.
Other names: c.*381_*389delTTTCCCTAAinsAAGCACAGAGTGGCTTGGCCTCAAGAG (NM_001407625.1, NM_001407626.1, NM_001407627.1 and 347 more transcripts); c.*487_*495delTTTCCCTAAinsAAGCACAGAGTGGCTTGGCCTCAAGAG (NM_001407854.1, NM_001407858.1, NM_001407859.1 and 13 more transcripts); c.*381_*389delinsAAGCACAGAGTGGCTTGGCCTCAAGAG (NM_007297.4, NM_007300.4); c.*487_*495delinsAAGCACAGAGTGGCTTGGCCTCAAGAG (NM_007299.4).
Identifiers: ClinVar variation 1338574 (VCV001338574.4), dbSNP rs2152399492, ClinGen allele CA2573054430.

ClinVar aggregate classification (germline): Uncertain significance (1 of 4 stars; one submission).

Submission:

Genetic Services Laboratory, University of Chicago
Classification: Uncertain significance. Last evaluated: 2020-03-20. Review status: criteria provided, single submitter. Criteria: ACMG Guidelines, 2015. Collection method: clinical testing. Allele origin: germline. Affected: no.
Comment: DNA sequence analysis of the BRCA1 gene demonstrated the following sequence change in the 3'UTR region of the gene, c.*381_*389delinsAAGCACAGAGTGGCTTGGCCTCAAGAG. This sequence change does not appear to have been previously reported in patients with BRCA1-related disorders and has also not been reported in population databases (gnomAD, ExAC). Sequence changes in the untranslated regions of the BRCA1 gene have been reported in individuals with predisposition to breast and/or ovarian cancer (PMID: 29236234). Due to the lack of functional studies, the clinical significance of this sequence change remains unknown at this time.